The following is an entry in ClinVar:

NM_001099289.3(SH3RF3):c.1039G>A (p.Ala347Thr)

Genes: RANBP2 (RAN binding protein 2; plus strand), SH3RF3 (SH3 domain containing ring finger 3; plus strand). Cytogenetic location: 2q13.
Variant type: single nucleotide variant.
Coding change: c.1039G>A on transcript NM_001099289.3 (MANE Select); coding-DNA position 1039, G replaced by A.
Protein change: p.Ala347Thr; replaces alanine 347 with threonine.
Molecular consequence: missense variant.
Genome position (GRCh38, 1-based): chr2:109,398,683, G>A. VCF-style: chr2-109398683-G-A. GRCh37 (hg19) VCF-style: chr2-110015139-G-A.
Other names: short protein forms A347T.
Identifiers: ClinVar variation 2267636 (VCV002267636.3), dbSNP rs559859361, ClinGen allele CA1825530.

ClinVar aggregate classification (germline): Uncertain significance (1 of 4 stars; one submission).

Allele frequency attached by ClinVar (database versions not stated): gnomAD 0.00005; TOPMed 0.00005; gnomAD exomes 0.00008; 1000 Genomes Project 30x 0.00016; 1000 Genomes Project 0.00020; ExAC 0.00023.
gnomAD v4.1: 118 of 1,610,116 alleles (0.0073%); highest among the groups gnomAD compares: South Asian, 0.11%; 1 homozygote.

Submission:

Ambry Genetics
Classification: Uncertain significance. Last evaluated: 2024-12-31. Review status: criteria provided, single submitter. Criteria: Ambry Variant Classification Scheme 2023. Collection method: clinical testing. Allele origin: germline.
Comment: The c.1039G>A (p.A347T) alteration is located in exon (coding exon ) of the SH3RF3 gene. This alteration results from a G to A substitution at nucleotide position 1039, causing the alanine (A) at amino acid position 347 to be replaced by a threonine (T). Based on insufficient or conflicting evidence, the clinical significance of this alteration remains unclear.